The following is an entry in ClinVar:

NM_002471.4(MYH6):c.4644G>T (p.Glu1548Asp)

Gene: MYH6 (myosin heavy chain 6; minus strand). Cytogenetic location: 14q11.2.
Variant type: single nucleotide variant.
Coding change: c.4644G>T on transcript NM_002471.4 (MANE Select); coding-DNA position 4644, G replaced by T.
Protein change: p.Glu1548Asp; replaces glutamic acid 1548 with aspartic acid.
Molecular consequence: missense variant.
Genome position (GRCh38, 1-based): chr14:23,387,535, C>A on the plus strand (G>T on the coding strand, the complement: MYH6 is on the minus strand). VCF-style: chr14-23387535-C-A. GRCh37 (hg19) VCF-style: chr14-23856744-C-A.
Other names: short protein forms E1548D.
Identifiers: ClinVar variation 1742139 (VCV001742139.5), dbSNP rs2502147110, ClinGen allele CA388995705.
Genomic context (GRCh38, chr14:23,387,535, plus strand): 5'-AGTGGGAGACAGCGGCAGAACAGGGATGGGGTGCAGGGAGTTCTCGGCCCTCACCTCTGC[C>A]TCCTCCAGGGCTGACTGCAGCTCCAGCTTCTCCACCTCCAGCTGTTTGCGGACCTTCTCC-3'
Protein context (NP_002462.2, residues 1538-1558): EKLELQSALE[Glu1548Asp]AEASLEHEEG

ClinVar aggregate classification (germline): Uncertain significance. Review status: criteria provided, multiple submitters, no conflicts (2 of 4 stars). 2 submissions from 2 submitters: Uncertain significance (2). Last evaluated 2023-05-01.

Conditions:
Hypertrophic cardiomyopathy 14. Identifiers: MedGen C2750467, MONDO:0013197, OMIM 613251.
Cardiovascular phenotype. Identifiers: MedGen CN230736.

Allele frequency attached by ClinVar (database versions not stated): gnomAD exomes below 0.00001.
gnomAD v4.1: 2 of 1,613,784 alleles (0.00012%); highest among the groups gnomAD compares: African/African-American, 0.0027%; no homozygotes.

Submissions (2):

Labcorp Genetics (formerly Invitae), Labcorp
Classification: Uncertain significance for Hypertrophic cardiomyopathy 14. Last evaluated: 2023-05-01. Review status: criteria provided, single submitter. Criteria: Invitae Variant Classification Sherloc (09022015). Collection method: clinical testing. Allele origin: germline.
Comment: ClinVar contains an entry for this variant (Variation ID: 1742139). In summary, the available evidence is currently insufficient to determine the role of this variant in disease. Therefore, it has been classified as a Variant of Uncertain Significance. Advanced modeling of protein sequence and biophysical properties (such as structural, functional, and spatial information, amino acid conservation, physicochemical variation, residue mobility, and thermodynamic stability) performed at Invitae indicates that this missense variant is not expected to disrupt MYH6 protein function. This variant has not been reported in the literature in individuals affected with MYH6-related conditions. This variant is not present in population databases (gnomAD no frequency). This sequence change replaces glutamic acid, which is acidic and polar, with aspartic acid, which is acidic and polar, at codon 1548 of the MYH6 protein (p.Glu1548Asp).

Ambry Genetics
Classification: Uncertain significance for Cardiovascular phenotype. Last evaluated: 2020-06-04. Review status: criteria provided, single submitter. Criteria: Ambry Variant Classification Scheme 2023. Collection method: clinical testing. Allele origin: germline.
Comment: The p.E1548D variant (also known as c.4644G>T), located in coding exon 30 of the MYH6 gene, results from a G to T substitution at nucleotide position 4644. The glutamic acid at codon 1548 is replaced by aspartic acid, an amino acid with highly similar properties. This amino acid position is highly conserved in available vertebrate species. In addition, the in silico prediction for this alteration is inconclusive. Since supporting evidence is limited at this time, the clinical significance of this alteration remains unclear.